The following is an entry in ClinVar:

ClinVar aggregate classification (germline): Uncertain significance. Review status: criteria provided, multiple submitters, no conflicts (2 of 4 stars). 2 submissions from 2 submitters: Uncertain significance (2). Last evaluated 2025-07-12.

Conditions:
Mosaic variegated aneuploidy syndrome 1 (MVA1). Also called: Warburton-Anyane-Yeboa syndrome. Identifiers: Orphanet 1052, MedGen C1850343, MONDO:0009759, OMIM 257300.
Inborn genetic diseases. Identifiers: MedGen C0950123, MeSH D030342.

Allele frequency attached by ClinVar (database versions not stated): ExAC 0.00001; gnomAD 0.00001; TOPMed 0.00001; ESP Exome Variant Server 0.00008.
gnomAD v4.1: 3 of 1,612,800 alleles (0.00019%); highest among the groups gnomAD compares: African/African-American, 0.0027%; no homozygotes.

Submissions (2):

Ambry Genetics
Classification: Uncertain significance for Inborn genetic diseases. Last evaluated: 2025-07-12. Review status: criteria provided, single submitter. Criteria: Ambry Variant Classification Scheme 2023. Collection method: clinical testing. Allele origin: germline.
Comment: The p.K779R variant (also known as c.2336A>G), located in coding exon 18 of the BUB1B gene, results from an A to G substitution at nucleotide position 2336. The lysine at codon 779 is replaced by arginine, an amino acid with highly similar properties. This amino acid position is conserved. In addition, this alteration is predicted to be tolerated by in silico analysis. Since supporting evidence is limited at this time, the clinical significance of this alteration remains unclear.

Labcorp Genetics (formerly Invitae), Labcorp
Classification: Uncertain significance for Mosaic variegated aneuploidy syndrome 1. Last evaluated: 2025-05-21. Review status: criteria provided, single submitter. Criteria: Invitae Variant Classification Sherloc (09022015). Collection method: clinical testing. Allele origin: germline.
Comment: This sequence change replaces lysine, which is basic and polar, with arginine, which is basic and polar, at codon 779 of the BUB1B protein (p.Lys779Arg). This variant is present in population databases (rs140368608, gnomAD 0.007%). This variant has not been reported in the literature in individuals affected with BUB1B-related conditions. ClinVar contains an entry for this variant (Variation ID: 1789776). An algorithm developed to predict the effect of missense changes on protein structure and function outputs the following: PolyPhen-2: "Benign". The arginine amino acid residue is found in multiple mammalian species, which suggests that this missense change does not adversely affect protein function. In summary, the available evidence is currently insufficient to determine the role of this variant in disease. Therefore, it has been classified as a Variant of Uncertain Significance.

NM_001211.6(BUB1B):c.2336A>G (p.Lys779Arg)

Gene: BUB1B (BUB1 mitotic checkpoint serine/threonine kinase B; plus strand). Cytogenetic location: 15q15.1.
Variant type: single nucleotide variant.
Coding change: c.2336A>G on transcript NM_001211.6 (MANE Select); coding-DNA position 2336, A replaced by G.
Protein change: p.Lys779Arg; replaces lysine 779 with arginine.
Molecular consequence: missense variant.
Genome position (GRCh38, 1-based): chr15:40,210,161, A>G. VCF-style: chr15-40210161-A-G. GRCh37 (hg19) VCF-style: chr15-40502362-A-G.
Other names: short protein forms K779R.
Identifiers: ClinVar variation 1789776 (VCV001789776.4), dbSNP rs140368608, ClinGen allele CA7476014.